The following is an entry in ClinVar:

ClinVar aggregate classification (germline): Uncertain significance. Review status: criteria provided, multiple submitters, no conflicts (2 of 4 stars). 2 submissions from 2 submitters: Uncertain significance (2). Last evaluated 2024-09-12.

Allele frequency attached by ClinVar (database versions not stated): 1000 Genomes Project 30x 0.00016; TOPMed 0.00030.
gnomAD v4.1: 161 of 692,674 alleles (0.023%); highest among the groups gnomAD compares: Middle Eastern, 0.15%; 1 homozygote.

Submissions (2):

Blueprint Genetics
Classification: Uncertain significance. Last evaluated: 2024-09-12. Review status: criteria provided, single submitter. Criteria: ACMG Guidelines, 2015. Collection method: clinical testing. Allele origin: germline.

Labcorp Genetics (formerly Invitae), Labcorp
Classification: Uncertain significance. Last evaluated: 2024-01-29. Review status: criteria provided, single submitter. Criteria: Invitae Variant Classification Sherloc (09022015). Collection method: clinical testing. Allele origin: germline.
Comment: This variant occurs in the RNU4ATAC gene, which encodes an RNA molecule that does not result in a protein product. This variant is present in population databases (rs533487249, gnomAD 0.05%). This variant has not been reported in the literature in individuals affected with RNU4ATAC-related conditions. ClinVar contains an entry for this variant (Variation ID: 1045423). Experimental studies and prediction algorithms are not available or were not evaluated, and the functional significance of this variant is currently unknown. In summary, the available evidence is currently insufficient to determine the role of this variant in disease. Therefore, it has been classified as a Variant of Uncertain Significance.

NC_000002.12:g.121530884A>G

Genes: CLASP1 (cytoplasmic linker associated protein 1; minus strand), CLASP1-AS1 (CLASP1 antisense RNA 1; plus strand), RNU4ATAC (RNA, U4atac small nuclear; plus strand). Cytogenetic location: 2q14.2.
Variant type: single nucleotide variant.
Molecular consequence: intron variant (on NM_001395891.1).
Genome position: GRCh38 VCF-style: chr2-121530884-A-G. GRCh37 (hg19) VCF-style: chr2-122288460-A-G.
Other names: c.196-559T>C (NM_001142274.2, NM_015282.3, NM_001378003.1 and 5 more transcripts).
Identifiers: ClinVar variation 1045423 (VCV001045423.6), dbSNP rs533487249, ClinGen allele CA54810751.